The following is an entry in ClinVar:

NM_177438.3(DICER1):c.4676T>G (p.Ile1559Arg)

Gene: DICER1 (dicer 1, ribonuclease III; minus strand). Cytogenetic location: 14q32.13.
Variant type: single nucleotide variant.
Coding change: c.4676T>G on transcript NM_177438.3 (MANE Select); coding-DNA position 4676, T replaced by G.
Protein change: p.Ile1559Arg; replaces isoleucine 1559 with arginine.
Molecular consequence: missense variant.
Genome position (GRCh38, 1-based): chr14:95,096,244, A>C on the plus strand (T>G on the coding strand, the complement: DICER1 is on the minus strand). VCF-style: chr14-95096244-A-C. GRCh37 (hg19) VCF-style: chr14-95562581-A-C.
Other names: c.4676T>G, p.Ile1559Arg (NM_001195573.1, NM_001271282.3, NM_001291628.2 and 1 more transcripts); short protein forms I1559R.
Identifiers: ClinVar variation 479657 (VCV000479657.6), dbSNP rs1555367694, ClinGen allele CA390867546.

ClinVar aggregate classification (germline): Uncertain significance. Review status: criteria provided, multiple submitters, no conflicts (2 of 4 stars). 2 submissions from 2 submitters: Uncertain significance (2). Last evaluated 2025-08-26.

Conditions:
DICER1-related tumor predisposition. Also called: DICER1-related pleuropulmonary blastoma cancer predisposition syndrome; DICER1 syndrome. Identifiers: Orphanet 284343, MedGen C3839822, MONDO:0100216.
Hereditary cancer-predisposing syndrome. Also called: Tumor predisposition; Neoplastic Syndromes, Hereditary; Hereditary Cancer Syndrome; Hereditary neoplastic syndrome. Identifiers: Orphanet 140162, MedGen C0027672, MeSH D009386, MONDO:0015356.

Submissions (2):

Labcorp Genetics (formerly Invitae), Labcorp
Classification: Uncertain significance for DICER1-related tumor predisposition. Last evaluated: 2025-08-26. Review status: criteria provided, single submitter. Criteria: Invitae Variant Classification Sherloc (09022015). Collection method: clinical testing. Allele origin: germline.
Comment: This sequence change replaces isoleucine, which is neutral and non-polar, with arginine, which is basic and polar, at codon 1559 of the DICER1 protein (p.Ile1559Arg). This variant is not present in population databases (gnomAD no frequency). This variant has not been reported in the literature in individuals affected with DICER1-related conditions. ClinVar contains an entry for this variant (Variation ID: 479657). Invitae Evidence Modeling of protein sequence and biophysical properties (such as structural, functional, and spatial information, amino acid conservation, physicochemical variation, residue mobility, and thermodynamic stability) has been performed for this missense variant. However, the output from this modeling did not meet the statistical confidence thresholds required to predict the impact of this variant on DICER1 protein function. In summary, the available evidence is currently insufficient to determine the role of this variant in disease. Therefore, it has been classified as a Variant of Uncertain Significance.

Ambry Genetics
Classification: Uncertain significance for Hereditary cancer-predisposing syndrome. Last evaluated: 2017-08-20. Review status: criteria provided, single submitter. Criteria: Ambry Variant Classification Scheme 2023. Collection method: clinical testing. Allele origin: germline.
Comment: The p.I1559R variant (also known as c.4676T>G), located in coding exon 22 of the DICER1 gene, results from a T to G substitution at nucleotide position 4676. The isoleucine at codon 1559 is replaced by arginine, an amino acid with similar properties. This amino acid position is highly conserved in available vertebrate species. In addition, this alteration is predicted to be deleterious by in silico analysis. Since supporting evidence is limited at this time, the clinical significance of this alteration remains unclear.